The following is an entry in ClinVar:

ClinVar aggregate classification (germline): Uncertain significance (1 of 4 stars; one submission).

Conditions:
DLGAP1-related disorder. Also called: DLGAP1-related condition.

gnomAD v4.1: 6 of 1,594,884 alleles (0.00038%); highest among the groups gnomAD compares: South Asian, 0.0023%; no homozygotes.

Submission:

PreventionGenetics, part of Exact Sciences
Classification: Uncertain significance for DLGAP1-related condition. Last evaluated: 2025-02-26. Review status: criteria provided, single submitter. Criteria: ACMG Guidelines, 2015. Collection method: clinical testing. Allele origin: germline.
Comment: The DLGAP1 c.832G>A variant is predicted to result in the amino acid substitution p.Ala278Thr. To our knowledge, this variant has not been reported in the literature. This variant is reported in 0.0037% of alleles in individuals of South Asian descent in gnomAD. At this time, the clinical significance of this variant is uncertain due to the absence of conclusive functional and genetic evidence.

NM_004746.4(DLGAP1):c.832G>A (p.Ala278Thr)

Genes: DLGAP1 (DLG associated protein 1; minus strand), DLGAP1-AS3 (DLGAP1 antisense RNA 3; plus strand). Cytogenetic location: 18p11.31.
Variant type: single nucleotide variant.
Coding change: c.832G>A on transcript NM_004746.4 (MANE Select); coding-DNA position 832, G replaced by A.
Protein change: p.Ala278Thr; replaces alanine 278 with threonine.
Molecular consequence: missense variant.
Genome position (GRCh38, 1-based): chr18:3,879,237, C>T on the plus strand (G>A on the coding strand, the complement: DLGAP1 is on the minus strand). VCF-style: chr18-3879237-C-T. GRCh37 (hg19) VCF-style: chr18-3879237-C-T.
Other names: c.832G>A, p.Ala278Thr (NM_001242761.2, NM_001398525.1, NM_001398526.1 and 2 more transcripts); short protein forms A278T.
Identifiers: ClinVar variation 4985002 (VCV004985002.1).
Genomic context (GRCh38, chr18:3,879,237, plus strand): 5'-TCACCGAGGCCTTCTGGTAAACCTCCCGGGCCCGGCTCACGGTGAGCGTGGAGGACCAGG[C>T]GCTCTTCTTCAGCAGCGGGGTGTCCAGGCTGACCGGCAGGTTGGCGCAGGTGGAGCACTT-3'
Protein context (NP_004737.2, residues 268-288): SLDTPLLKKS[Ala278Thr]WSSTLTVSRA